The following is an entry in ClinVar:

NM_006206.6(PDGFRA):c.2002+1G>A

Gene: PDGFRA (platelet derived growth factor receptor alpha; plus strand). Cytogenetic location: 4q12.
Variant type: single nucleotide variant.
Coding change: c.2002+1G>A on transcript NM_006206.6 (MANE Select); the canonical splice donor site of the intron after coding-DNA position 2002, G replaced by A.
Molecular consequence: splice donor variant.
Genome position (GRCh38, 1-based): chr4:54,278,007, G>A. VCF-style: chr4-54278007-G-A. GRCh37 (hg19) VCF-style: chr4-55144174-G-A.
Other names: c.2077+1G>A (NM_001347828.2); c.2002+1G>A (NM_001347827.2, NM_001347829.2); c.2041+1G>A (NM_001347830.2).
Identifiers: ClinVar variation 1015136 (VCV001015136.7), dbSNP rs1723833294, ClinGen allele CA356893807.
Genomic context (GRCh38, chr4:54,278,007, plus strand): 5'-TGACTCACCTGGGGCCACATTTGAACATTGTAAACTTGCTGGGAGCCTGCACCAAGTCAG[G>A]TGGGCTCACTGACCTGGAGTGAGGATTTTCACTGGACACATGTGGTTGTGAAAACTGTTC-3'

ClinVar aggregate classification (germline): Uncertain significance (1 of 4 stars; one submission).

Conditions:
Gastrointestinal stromal tumor. Also called: Gastrointestinal stromal tumor, somatic; Gastrointestinal stroma tumor. Identifiers: Orphanet 44890, MedGen C0238198, MeSH D046152, MONDO:0011719, OMIM 606764, HP:0100723.

Allele frequency attached by ClinVar (database versions not stated): TOPMed below 0.00001.

Submission:

Labcorp Genetics (formerly Invitae), Labcorp
Classification: Uncertain significance for Gastrointestinal stromal tumor. Last evaluated: 2022-03-05. Review status: criteria provided, single submitter. Criteria: Invitae Variant Classification Sherloc (09022015). Collection method: clinical testing. Allele origin: germline.
Comment: This sequence change affects a donor splice site in intron 14 of the PDGFRA gene. It is expected to disrupt RNA splicing. Variants that disrupt the donor or acceptor splice site typically lead to a loss of protein function (PMID: 16199547), however the current clinical and genetic evidence is not sufficient to establish whether loss-of-function variants in PDGFRA cause disease. This variant is not present in population databases (gnomAD no frequency). This variant has not been reported in the literature in individuals affected with PDGFRA-related conditions. ClinVar contains an entry for this variant (Variation ID: 1015136). Algorithms developed to predict the effect of sequence changes on RNA splicing suggest that this variant may disrupt the consensus splice site. In summary, the available evidence is currently insufficient to determine the role of this variant in disease. Therefore, it has been classified as a Variant of Uncertain Significance.

Literature cited by the submitters: PubMed 16199547.